The following is an entry in ClinVar:

NM_001130987.2(DYSF):c.3672C>G (p.Tyr1224Ter)

Gene: DYSF (dysferlin; plus strand). Cytogenetic location: 2p13.2.
Variant type: single nucleotide variant.
Coding change: c.3672C>G on transcript NM_001130987.2 (MANE Select); coding-DNA position 3672, C replaced by G.
Protein change: p.Tyr1224Ter; replaces tyrosine 1224 with a stop codon.
Molecular consequence: nonsense.
Genome position (GRCh38, 1-based): chr2:71,598,661, C>G. VCF-style: chr2-71598661-C-G. GRCh37 (hg19) VCF-style: chr2-71825791-C-G.
Other names: NM_001130987.2(DYSF):c.3672C>G; p.Tyr1224Ter; c.3621C>G, p.Tyr1207Ter (NM_001130455.2, NM_001130983.2); c.3576C>G, p.Tyr1192Ter (NM_001130976.2, NM_001130977.2); c.3618C>G, p.Tyr1206Ter (NM_001130978.2, NM_003494.4); c.3711C>G, p.Tyr1237Ter (NM_001130979.2); c.3669C>G, p.Tyr1223Ter (NM_001130980.2, NM_001130981.2); c.3714C>G, p.Tyr1238Ter (NM_001130982.2); and 3 more; short protein forms Y1192*, Y1193*, Y1206*, Y1207*, Y1223*, Y1224*, Y1237*, Y1238*.
Identifiers: ClinVar variation 2674975 (VCV002674975.4), dbSNP rs143393575, ClinGen allele CA347224046.
Genomic context (GRCh38, chr2:71,598,661, plus strand): 5'-GAAGACGGTGGTGGTGAAGAACACCCTTAACCCCACCTGGGACCAGACGCTCATCTTCTA[C>G]GAGATCGAGATCTTTGGCGAGCCGGCCACAGTTGCTGAGCAACCGCCCAGCATTGTGGTG-3'

ClinVar aggregate classification (germline): Pathogenic. Review status: reviewed by expert panel (3 of 4 stars). 3 submissions from 3 submitters: Pathogenic (1). 2 of the submissions do not count toward it. Last evaluated 2025-05-28.

Conditions:
Autosomal recessive limb-girdle muscular dystrophy. Identifiers: Orphanet 102015, MedGen C2931907, MONDO:0015152.
Autosomal recessive limb-girdle muscular dystrophy type 2B (LGMDR2). Also called: MUSCULAR DYSTROPHY, LIMB-GIRDLE, TYPE 3; Limb-girdle muscular dystrophy, type 2B; MUSCULAR DYSTROPHY, LIMB-GIRDLE, AUTOSOMAL RECESSIVE 2; Limb-Girdle Muscular Dystrophy Type 2B (LGMD2B). Identifiers: Orphanet 268, MedGen C1850889, MONDO:0009676, OMIM 253601.
Miyoshi muscular dystrophy 1 (MMD1). Identifiers: Orphanet 45448, MedGen C4551973, MONDO:0024545, OMIM 254130.

Submissions (3):

ClinGen Limb Girdle Muscular Dystrophy Variant Curation Expert Panel, ClinGen
Classification: Pathogenic for Autosomal recessive limb-girdle muscular dystrophy. Last evaluated: 2025-05-28. Review status: reviewed by expert panel. Criteria: ClinGen LGMD VCEP ACMG Specifications DYSF V1.0.0. Collection method: curation. Allele origin: germline. Inheritance: Autosomal recessive inheritance.
Comment: The NM_003494.4: c.3618C>G p.(Tyr1206Ter) variant in DYSF, which is also known as NM_001130987.2: c.3672C>G p.(Tyr1224Ter), is a nonsense variant predicted to cause a premature stop codon in biologically relevant exon 33/55, leading to nonsense mediated decay in a gene in which loss of function is an established disease mechanism (PVS1). This variant has been identified in at least two individuals with features of LGMD, including in a homozygous state without reported familial consanguinity in one patient (0.5 pts, PMID: 30564623, LOVD Individual #00219431) and in unknown phase or confirmed in trans with a second presumed diagnostic DYSF variant in at least one patient (NM_003494.4: c.4439A>C p.(Lys1480Thr), PMID: 15827562, 30919934, LOVD Individual #00215274) (PM3_Supporting). At least one patient with this variant and a second presumed diagnostic DYSF variant displayed progressive limb girdle muscle weakness (PMID: 30919934; PP4). This variant is absent from gnomAD v4.1.0 (PM2_Supporting). In summary, this variant meets the criteria to be classified as Pathogenic for autosomal recessive limb girdle muscular dystrophy based on the ACMG/AMP criteria applied, as specified by the ClinGen LGMD VCEP (LGMD VCEP specifications version 1.0.0; 05/28/2025): PVS1, PM3_Supporting, PP4, PM2_Supporting.

Natera, Inc.
Classification: Pathogenic for Limb-girdle muscular dystrophy type 2B. Last evaluated: 2025-04-02. Review status: criteria provided, single submitter. Criteria: Natera Variant Classification Schema (03/2026). Collection method: clinical testing. Allele origin: germline. Not counted in ClinVar's aggregate classification.
Comment: The c.3618C>G variant in DYSF is a nonsense variant predicted to introduce a stop codon at amino acid 1206. This variant is expected to result in nonsense mediated decay, truncation, or a dysfunctional protein product. This variant is rare in the general population with a frequency below the threshold expected for the associated phenotype(s). This variant has been observed in one or more individuals affected with the associated recessive disease, as either homozygous or compound heterozygous with a second variant (PMID: 36580222). Given the available evidence, this variant is classified as Pathogenic.

Baylor Genetics
Classification: Pathogenic for Miyoshi muscular dystrophy 1. Last evaluated: 2023-07-09. Review status: criteria provided, single submitter. Criteria: ACMG Guidelines, 2015. Collection method: clinical testing. Allele origin: unknown. Not counted in ClinVar's aggregate classification.

Literature cited by the submitters: PubMed 36580222 (cited by Natera, Inc.).